The following is an entry in ClinVar:

NM_138403.5(MYL10):c.565C>T (p.Arg189Cys)

Gene: MYL10 (myosin light chain 10; minus strand). Cytogenetic location: 7q22.1.
Variant type: single nucleotide variant.
Coding change: c.565C>T on transcript NM_138403.5 (MANE Select); coding-DNA position 565, C replaced by T.
Protein change: p.Arg189Cys; replaces arginine 189 with cysteine.
Molecular consequence: missense variant.
Genome position (GRCh38, 1-based): chr7:101,613,679, G>A on the plus strand (C>T on the coding strand, the complement: MYL10 is on the minus strand). VCF-style: chr7-101613679-G-A. GRCh37 (hg19) VCF-style: chr7-101256959-G-A.
Other names: c.565C>T (NM_138403.4); short protein forms R189C.
Identifiers: ClinVar variation 684530 (VCV000684530.3), dbSNP rs141873317, ClinGen allele CA4410003.
Genomic context (GRCh38, chr7:101,613,679, plus strand): 5'-CAGAGCAGAGAATCCGCCGTGACCCACCAGAATCCCAGTTTACCTCCTCCTCACTGAAGC[G>A]GTCTGCCTGGGTCATAAGTTTTTCTTTGATGCTGTTCAAGGGAGAGACACAGTCATGTTC-3'
Protein context (NP_612412.2, residues 179-199): IKEKLMTQAD[Arg189Cys]FSEEEVKQMF

ClinVar aggregate classification (germline): Uncertain significance (1 of 4 stars; one submission).

Allele frequency attached by ClinVar (database versions not stated): TOPMed 0.00005; ESP Exome Variant Server 0.00023; 1000 Genomes Project 30x 0.00031; 1000 Genomes Project 0.00040.

Submission:

Ambry Genetics
Classification: Uncertain significance. Last evaluated: 2025-08-09. Review status: criteria provided, single submitter. Criteria: Ambry Variant Classification Scheme 2023. Collection method: clinical testing. Allele origin: germline.